The following is an entry in ClinVar:

NM_001130823.3(DNMT1):c.4368C>T (p.Pro1456=)

Gene: DNMT1 (DNA methyltransferase 1; minus strand). Cytogenetic location: 19p13.2.
Variant type: single nucleotide variant.
Coding change: c.4368C>T on transcript NM_001130823.3 (MANE Select); coding-DNA position 4368, C replaced by T.
Protein change: p.Pro1456=; no amino-acid change (proline 1456 retained).
Molecular consequence: synonymous variant.
Genome position (GRCh38, 1-based): chr19:10,137,206, G>A on the plus strand (C>T on the coding strand, the complement: DNMT1 is on the minus strand). VCF-style: chr19-10137206-G-A. GRCh37 (hg19) VCF-style: chr19-10247882-G-A.
Other names: c.4368C>T (NM_001130823.2, LRG_362t1); c.4320C>T, p.Pro1440= (NM_001318730.2, NM_001379.4); c.4005C>T, p.Pro1335= (NM_001318731.2).
Identifiers: ClinVar variation 472276 (VCV000472276.16), dbSNP rs2229858, ClinGen allele CA9187527.

ClinVar aggregate classification (germline): Benign/Likely benign. Review status: criteria provided, multiple submitters, no conflicts (2 of 4 stars). 4 submissions from 4 submitters: Benign (3); Likely benign (1). Last evaluated 2026-05-04.

Conditions:
DNMT1-related disorder. Also called: DNMT1-related condition. Identifiers: MedGen CN381527.
Hereditary sensory neuropathy-deafness-dementia syndrome. Also called: Hereditary Sensory and Autonomic Neuropathy Type 1E (HSAN1E); HSN IE; Hereditary sensory neuropathy type IE; NEUROPATHY, HEREDITARY SENSORY, WITH HEARING LOSS AND DEMENTIA. Identifiers: Orphanet 456318, MedGen C3279885, MONDO:0013584, OMIM 614116.

Allele frequency attached by ClinVar (database versions not stated): 1000 Genomes Project 30x 0.00078; gnomAD 0.00095 and 0.00101; TOPMed 0.00102; ESP Exome Variant Server 0.00108; gnomAD exomes 0.00008 and 0.00021; ExAC 0.00030; 1000 Genomes Project 0.00060.

Submissions (4):

Women's Health and Genetics/Laboratory Corporation of America, LabCorp
Classification: Benign. Last evaluated: 2026-05-04. Review status: criteria provided, single submitter. Criteria: LabCorp Variant Classification Summary - May 2015. Collection method: clinical testing. Allele origin: germline.

Labcorp Genetics (formerly Invitae), Labcorp
Classification: Benign for Hereditary sensory neuropathy-deafness-dementia syndrome. Last evaluated: 2026-01-05. Review status: criteria provided, single submitter. Criteria: Invitae Variant Classification Sherloc (09022015). Collection method: clinical testing. Allele origin: germline.

PreventionGenetics, part of Exact Sciences
Classification: Likely benign for DNMT1-related condition. Last evaluated: 2025-03-13. Review status: criteria provided, single submitter. Criteria: ACMG Guidelines, 2015. Collection method: clinical testing. Allele origin: germline.
Comment: This variant is classified as likely benign based on ACMG/AMP sequence variant interpretation guidelines (Richards et al. 2015 PMID: 25741868, with internal and published modifications).

GeneDx
Classification: Benign. Last evaluated: 2019-07-26. Review status: criteria provided, single submitter. Criteria: GeneDx Variant Classification Process June 2021. Collection method: clinical testing. Allele origin: germline. Affected: yes.